The following is an entry in ClinVar:

NM_001330311.2(DVL1):c.397_399del (p.Asn133del)

Gene: DVL1 (dishevelled segment polarity protein 1; minus strand). Cytogenetic location: 1p36.33.
Variant type: Deletion.
Coding change: c.397_399del on transcript NM_001330311.2 (MANE Select); coding-DNA positions 397 to 399, 3 bases deleted (AAC; older notation c.397_399delAAC).
Protein change: p.Asn133del; deletes asparagine 133.
Molecular consequence: inframe deletion.
Genome position (GRCh38, 1-based): chr1:1,342,120-1,342,122, GTT deleted on the plus strand (AAC on the coding strand, the reverse complement: DVL1 is on the minus strand); deleting any 3 consecutive bases within chr1:1,342,120-1,342,124 gives the same sequence; the c. name uses the placement nearest the transcript's 3' end. VCF-style (leftmost placement, unchanged base first): chr1-1342119-CGTT-C. GRCh37 (hg19) VCF-style: chr1-1277499-CGTT-C.
Other names: c.397_399del, p.Asn133del (NM_004421.3); short protein forms N133del.
Identifiers: ClinVar variation 4737141 (VCV004737141.1).

ClinVar aggregate classification (germline): Uncertain significance (1 of 4 stars; one submission).

Submission:

Labcorp Genetics (formerly Invitae), Labcorp
Classification: Uncertain significance. Last evaluated: 2025-10-21. Review status: criteria provided, single submitter. Criteria: Invitae Variant Classification Sherloc (09022015). Collection method: clinical testing. Allele origin: germline.
Comment: This variant, c.397_399del, results in the deletion of 1 amino acid(s) of the DVL1 protein (p.Asn133del), but otherwise preserves the integrity of the reading frame. This variant is present in population databases (rs746293279, gnomAD 0.004%). This variant has not been reported in the literature in individuals affected with DVL1-related conditions. Experimental studies and prediction algorithms are not available or were not evaluated, and the functional significance of this variant is currently unknown. In summary, the available evidence is currently insufficient to determine the role of this variant in disease. Therefore, it has been classified as a Variant of Uncertain Significance.